The following is an entry in ClinVar:

NM_001261826.3(AP3D1):c.1983C>T (p.Asp661=)

Gene: AP3D1 (adaptor related protein complex 3 subunit delta 1; minus strand). Cytogenetic location: 19p13.3.
Variant type: single nucleotide variant.
Coding change: c.1983C>T on transcript NM_001261826.3 (MANE Select); coding-DNA position 1983, C replaced by T.
Protein change: p.Asp661=; no amino-acid change (aspartic acid 661 retained).
Molecular consequence: synonymous variant.
Genome position (GRCh38, 1-based): chr19:2,116,623, G>A on the plus strand (C>T on the coding strand, the complement: AP3D1 is on the minus strand). VCF-style: chr19-2116623-G-A. GRCh37 (hg19) VCF-style: chr19-2116622-G-A.
Other names: p.Asp661=; c.1983C>T, p.Asp661= (NM_001374799.1, NM_003938.8).
Identifiers: ClinVar variation 2908256 (VCV002908256.5), dbSNP rs758304730, ClinGen allele CA9059096.

ClinVar aggregate classification (germline): Likely benign. Review status: criteria provided, multiple submitters, no conflicts (2 of 4 stars). 3 submissions from 3 submitters: Likely benign (3). Last evaluated 2024-12-18.

Allele frequency attached by ClinVar (database versions not stated): 1000 Genomes Project 30x 0.00016.
gnomAD v4.1: 26 of 1,598,112 alleles (0.0016%); highest among the groups gnomAD compares: African/African-American, 0.0094%; no homozygotes.

Submissions (3):

Mayo Clinic Laboratories, Mayo Clinic
Classification: Likely benign. Last evaluated: 2024-12-18. Review status: criteria provided, single submitter. Criteria: ACMG Guidelines, 2015. Collection method: clinical testing. Allele origin: germline. Observed: 1 variant allele.
Comment: BP4, BP7, PM2_supporting

Blueprint Genetics
Classification: Likely benign. Last evaluated: 2024-11-11. Review status: criteria provided, single submitter. Criteria: ACMG Guidelines, 2015. Collection method: clinical testing. Allele origin: germline.

Labcorp Genetics (formerly Invitae), Labcorp
Classification: Likely benign. Last evaluated: 2024-06-16. Review status: criteria provided, single submitter. Criteria: Invitae Variant Classification Sherloc (09022015). Collection method: clinical testing. Allele origin: germline.